The following is an entry in ClinVar:

ClinVar aggregate classification (germline): Uncertain significance. Review status: criteria provided, multiple submitters, no conflicts (2 of 4 stars). 2 submissions from 2 submitters: Uncertain significance (2). Last evaluated 2025-07-08.

Conditions:
Hereditary cancer-predisposing syndrome. Also called: Tumor predisposition; Hereditary neoplastic syndrome; Neoplastic Syndromes, Hereditary; Hereditary Cancer Syndrome. Identifiers: Orphanet 140162, MedGen C0027672, MeSH D009386, MONDO:0015356.
Familial cancer of breast. Also called: Hereditary breast cancer; hereditary breast carcinoma; BREAST CANCER, FAMILIAL. Identifiers: Orphanet 227535, MedGen C0346153, MONDO:0016419, OMIM 114480. Disease mechanism: loss of function.

Submissions (2):

KCCC/NGS Laboratory, Kuwait Cancer Control Center
Classification: Uncertain significance for Familial cancer of breast. Last evaluated: 2025-07-08. Review status: criteria provided, single submitter. Criteria: ACMG Guidelines, 2015. Collection method: clinical testing. Allele origin: germline. Inheritance: Autosomal dominant inheritance. Affected: yes. Observed: 1 heterozygote.
Comment: This sequence change replaces aspartic acid with glycine at codon 1112 of the BRIP1 protein (p.Asp1112Gly). The aspartic acid residue is weakly conserved This variant is not present in population databases (ExAC no frequency) nor in our local database . This variant has not been reported in the literature in individuals with BRIP1-related conditions. Algorithms developed to predict the effect of missense changes on protein structure and function (SIFT and PolyPhen-2) all suggest that this variant is likely to be tolerated, but these predictions have not been confirmed by published functional studies and their clinical significance is uncertain

Ambry Genetics
Classification: Uncertain significance for Hereditary cancer-predisposing syndrome. Last evaluated: 2025-03-22. Review status: criteria provided, single submitter. Criteria: Ambry Variant Classification Scheme 2023. Collection method: clinical testing. Allele origin: germline.
Comment: The p.D1112G variant (also known as c.3335A>G), located in coding exon 19 of the BRIP1 gene, results from an A to G substitution at nucleotide position 3335. The aspartic acid at codon 1112 is replaced by glycine, an amino acid with similar properties. This amino acid position is conserved. In addition, this alteration is predicted to be tolerated by in silico analysis. Based on the available evidence, the clinical significance of this variant remains unclear.

NM_032043.3(BRIP1):c.3335A>G (p.Asp1112Gly)

Gene: BRIP1 (BRCA1 interacting DNA helicase 1; minus strand). Cytogenetic location: 17q23.2.
Variant type: single nucleotide variant.
Coding change: c.3335A>G on transcript NM_032043.3 (MANE Select); coding-DNA position 3335, A replaced by G.
Protein change: p.Asp1112Gly; replaces aspartic acid 1112 with glycine.
Molecular consequence: missense variant.
Genome position (GRCh38, 1-based): chr17:61,683,711, T>C on the plus strand (A>G on the coding strand, the complement: BRIP1 is on the minus strand). VCF-style: chr17-61683711-T-C. GRCh37 (hg19) VCF-style: chr17-59761072-T-C.
Other names: short protein forms D1112G.
Identifiers: ClinVar variation 3993127 (VCV003993127.2).